The following is an entry in ClinVar:

GRCh38/hg38 16p11.2(chr16:29227272-30179247)x1

Genes: ALDOA (aldolase, fructose-bisphosphate A; plus strand), ASPHD1 (aspartate beta-hydroxylase domain containing 1; plus strand), BOLA2 (bolA family member 2; minus strand), BOLA2-SMG1P6 (BOLA2-SMG1P6 readthrough; minus strand), C16orf54 (chromosome 16 open reading frame 54; minus strand) and 106 more. Cytogenetic location: 16p11.2.
Variant type: copy number loss.
Change: copy number 1 (one copy instead of two) of chr16:29,227,272-30,179,247 (952.0 kb, GRCh38 coordinates, 1-based), cytogenetic band 16p11.2.
Identifiers: ClinVar variation 160840 (VCV000160840.1).

ClinVar aggregate classification (germline): Pathogenic (1 of 4 stars; one submission).

Submission:

ISCA site 4
Classification: Pathogenic. Last evaluated: 2011-08-12. Review status: criteria provided, single submitter. Criteria: Kaminsky et al. (Genet Med. 2011). Collection method: clinical testing. Allele origin: unknown. Affected: yes. Observed: 1 variant allele.
Comment: Copy number variation identified through the course of routine clinical cytogenomic testing in postnatal populations. Clinical assertions have been curated as described in Kaminsky et al. 2011.